The following is an entry in ClinVar:

NM_000829.4(GRIA4):c.1216G>C (p.Gly406Arg)

Gene: GRIA4 (glutamate ionotropic receptor AMPA type subunit 4; plus strand). Cytogenetic location: 11q22.3.
Variant type: single nucleotide variant.
Coding change: c.1216G>C on transcript NM_000829.4 (MANE Select); coding-DNA position 1216, G replaced by C.
Protein change: p.Gly406Arg; replaces glycine 406 with arginine.
Molecular consequence: missense variant. On other transcripts: non-coding transcript variant (1).
Genome position (GRCh38, 1-based): chr11:105,910,492, G>C. VCF-style: chr11-105910492-G-C. GRCh37 (hg19) VCF-style: chr11-105781218-G-C.
Other names: c.1216G>C (NM_000829.3); c.1216G>C, p.Gly406Arg (NM_001077243.3, NM_001077244.2, NM_001112812.2); short protein forms G406R.
Identifiers: ClinVar variation 1694646 (VCV001694646.32), dbSNP rs138954497, ClinGen allele CA228066879.

ClinVar aggregate classification (germline): Uncertain significance. Review status: criteria provided, multiple submitters, no conflicts (2 of 4 stars). 2 submissions from 2 submitters: Uncertain significance (2). Last evaluated 2024-10-01.

Conditions:
Inborn genetic diseases. Identifiers: MedGen C0950123, MeSH D030342.

Allele frequency attached by ClinVar (database versions not stated): gnomAD 0.00001; gnomAD exomes 0.00001; TOPMed 0.00003; ESP Exome Variant Server 0.00008.
gnomAD v4.1: 16 of 1,602,880 alleles (0.001%); highest among the groups gnomAD compares: Non-Finnish European, 0.0014%; no homozygotes.

Submissions (2):

Ambry Genetics
Classification: Uncertain significance for Inborn genetic diseases. Last evaluated: 2024-10-01. Review status: criteria provided, single submitter. Criteria: Ambry Variant Classification Scheme 2023. Collection method: clinical testing. Allele origin: germline.

CeGaT Center for Human Genetics Tuebingen
Classification: Uncertain significance. Last evaluated: 2022-06-01. Review status: criteria provided, single submitter. Criteria: CeGaT Center For Human Genetics Tuebingen Variant Classification Criteria Version 2. Collection method: clinical testing. Allele origin: germline. Affected: yes. Observed: 1 variant allele.
Comment: GRIA4: PM2, PP4